The following is an entry in ClinVar:

NM_001466.4(FZD2):c.724C>G (p.Arg242Gly)

Gene: FZD2 (frizzled class receptor 2; plus strand). Cytogenetic location: 17q21.31.
Variant type: single nucleotide variant.
Coding change: c.724C>G on transcript NM_001466.4 (MANE Select); coding-DNA position 724, C replaced by G.
Protein change: p.Arg242Gly; replaces arginine 242 with glycine.
Molecular consequence: missense variant.
Genome position (GRCh38, 1-based): chr17:44,558,412, C>G. VCF-style: chr17-44558412-C-G. GRCh37 (hg19) VCF-style: chr17-42635780-C-G.
Other names: short protein forms R242G.
Identifiers: ClinVar variation 2709113 (VCV002709113.3), dbSNP rs2544584124, ClinGen allele CA399794185.

ClinVar aggregate classification (germline): Uncertain significance (1 of 4 stars; one submission).

Submission:

Labcorp Genetics (formerly Invitae), Labcorp
Classification: Uncertain significance. Last evaluated: 2023-06-11. Review status: criteria provided, single submitter. Criteria: Invitae Variant Classification Sherloc (09022015). Collection method: clinical testing. Allele origin: germline.
Comment: In summary, the available evidence is currently insufficient to determine the role of this variant in disease. Therefore, it has been classified as a Variant of Uncertain Significance. Advanced modeling of protein sequence and biophysical properties (such as structural, functional, and spatial information, amino acid conservation, physicochemical variation, residue mobility, and thermodynamic stability) performed at Invitae indicates that this missense variant is not expected to disrupt FZD2 protein function. This variant has not been reported in the literature in individuals affected with FZD2-related conditions. This variant is not present in population databases (gnomAD no frequency). This sequence change replaces arginine, which is basic and polar, with glycine, which is neutral and non-polar, at codon 242 of the FZD2 protein (p.Arg242Gly).